The following is an entry in ClinVar:

NM_000440.3(PDE6A):c.1620+2T>A

Gene: PDE6A (phosphodiesterase 6A; minus strand). Cytogenetic location: 5q32.
Variant type: single nucleotide variant.
Coding change: c.1620+2T>A on transcript NM_000440.3 (MANE Select); the canonical splice donor site of the intron after coding-DNA position 1620, T replaced by A.
Molecular consequence: splice donor variant.
Genome position (GRCh38, 1-based): chr5:149,896,354, A>T on the plus strand (T>A on the coding strand, the complement: PDE6A is on the minus strand). VCF-style: chr5-149896354-A-T. GRCh37 (hg19) VCF-style: chr5-149275917-A-T.
Other names: c.1377+2T>A (NM_001410788.1).
Identifiers: ClinVar variation 866351 (VCV000866351.8), dbSNP rs1383907349, ClinGen allele CA361695266.

ClinVar aggregate classification (germline): Pathogenic/Likely pathogenic. Review status: criteria provided, multiple submitters, no conflicts (2 of 4 stars). 3 submissions from 3 submitters: Pathogenic (1); Likely pathogenic (2). Last evaluated 2024-04-03.

Conditions:
Retinitis pigmentosa 43 (RP43). Identifiers: Orphanet 791, MedGen C3151139, MONDO:0013437, OMIM 613810.
PDE6A-related disorder. Also called: PDE6A-related condition.

Allele frequency attached by ClinVar (database versions not stated): gnomAD exomes below 0.00001; gnomAD 0.00001; TOPMed 0.00001.
gnomAD v4.1: 2 of 1,611,280 alleles (0.00012%); highest among the groups gnomAD compares: African/African-American, 0.0013%; no homozygotes.

Submissions (3):

Fulgent Genetics
Classification: Likely pathogenic for Retinitis pigmentosa 43. Last evaluated: 2024-04-03. Review status: criteria provided, single submitter. Criteria: ACMG Guidelines, 2015. Collection method: clinical testing. Allele origin: germline.

Labcorp Genetics (formerly Invitae), Labcorp
Classification: Pathogenic. Last evaluated: 2022-09-14. Review status: criteria provided, single submitter. Criteria: Invitae Variant Classification Sherloc (09022015). Collection method: clinical testing. Allele origin: germline.
Comment: Algorithms developed to predict the effect of sequence changes on RNA splicing suggest that this variant may disrupt the consensus splice site. For these reasons, this variant has been classified as Pathogenic. ClinVar contains an entry for this variant (Variation ID: 866351). This sequence change affects a donor splice site in intron 12 of the PDE6A gene. It is expected to disrupt RNA splicing. Variants that disrupt the donor or acceptor splice site typically lead to a loss of protein function (PMID: 16199547), and loss-of-function variants in PDE6A are known to be pathogenic (PMID: 7493036, 22128245, 23847139). This variant is present in population databases (no rsID available, gnomAD 0.004%). Disruption of this splice site has been observed in individuals with PDE6A-related conditions (PMID: 26806561, 29343940, 30718709).

Blueprint Genetics
Classification: Likely pathogenic for PDE6A-related disorders. Last evaluated: 2019-05-13. Review status: criteria provided, single submitter. Criteria: ACMG Guidelines, 2015. Collection method: clinical testing. Allele origin: germline. Affected: yes. Observed: 1 variant allele.

Literature cited by the submitters: PubMed 16199547 (cited by Labcorp Genetics (formerly Invitae), Labcorp); PubMed 7493036 (cited by Labcorp Genetics (formerly Invitae), Labcorp); PubMed 22128245 (cited by Labcorp Genetics (formerly Invitae), Labcorp); PubMed 23847139 (cited by Labcorp Genetics (formerly Invitae), Labcorp); PubMed 26806561 (cited by Labcorp Genetics (formerly Invitae), Labcorp); PubMed 29343940 (cited by Labcorp Genetics (formerly Invitae), Labcorp); PubMed 30718709 (cited by Labcorp Genetics (formerly Invitae), Labcorp).